The following is an entry in ClinVar:

NM_000264.5(PTCH1):c.*1066A>C

Gene: PTCH1 (patched 1; minus strand). Cytogenetic location: 9q22.32.
Variant type: single nucleotide variant.
Coding change: c.*1066A>C on transcript NM_000264.5 (MANE Select); 1066 bases downstream of the stop codon, A replaced by C.
Molecular consequence: 3 prime UTR variant. On other transcripts: non-coding transcript variant (1).
Genome position (GRCh38, 1-based): chr9:95,445,327, T>G on the plus strand (A>C on the coding strand, the complement: PTCH1 is on the minus strand). VCF-style: chr9-95445327-T-G. GRCh37 (hg19) VCF-style: chr9-98207609-T-G.
Other names: c.*1066A>C (NM_001083602.3, NM_001083603.3, NM_001083604.3 and 4 more transcripts).
Identifiers: ClinVar variation 367650 (VCV000367650.5), dbSNP rs185406054, ClinGen allele CA10630675.

ClinVar aggregate classification (germline): Benign. Review status: criteria provided, single submitter (1 of 4 stars). 2 submissions from 1 submitter: Benign (2). Last evaluated 2018-01-12.

Conditions:
Holoprosencephaly 7 (HPE7). Identifiers: Orphanet 2162, MedGen C1835820, MONDO:0012562, OMIM 610828.
Gorlin syndrome. Also called: Basal cell nevus syndrome; Nevoid Basal Cell Carcinoma Syndrome. Identifiers: Orphanet 377, MedGen C0004779, MONDO:0007187.

Allele frequency attached by ClinVar (database versions not stated): gnomAD 0.00628 and 0.00673; 1000 Genomes Project 0.00639; 1000 Genomes Project 30x 0.00656; TOPMed 0.00669.

Submissions (2):

Illumina Laboratory Services, Illumina
Classification: Benign for Holoprosencephaly 7. Last evaluated: 2018-01-12. Review status: criteria provided, single submitter. Criteria: ICSL Variant Classification Criteria 13 December 2019. Collection method: clinical testing. Allele origin: germline.
Comment: This variant was observed in the ICSL laboratory as part of a predisposition screen in an ostensibly healthy population. It had not been previously curated by ICSL or reported in the Human Gene Mutation Database (HGMD: prior to June 1st, 2018), and was therefore a candidate for classification through an automated scoring system. Utilizing variant allele frequency, disease prevalence and penetrance estimates, and inheritance mode, an automated score was calculated to assess if this variant is too frequent to cause the disease. Based on the score and internal cut-off values, a variant classified as benign is not then subjected to further curation. The score for this variant resulted in a classification of benign for this disease.

Illumina Laboratory Services, Illumina
Classification: Benign for Basal cell nevus syndrome 1. Last evaluated: 2018-01-12. Review status: criteria provided, single submitter. Criteria: ICSL Variant Classification Criteria 13 December 2019. Collection method: clinical testing. Allele origin: germline.
Comment: the same text as in the submission from Illumina Laboratory Services, Illumina above.